The following is an entry in ClinVar:

ClinVar aggregate classification (germline): Pathogenic. Review status: criteria provided, multiple submitters, no conflicts (2 of 4 stars). 2 submissions from 2 submitters: Pathogenic (2). Last evaluated 2025-04-21.

Conditions:
Hereditary diffuse gastric adenocarcinoma (HDGC). Also called: DIFFUSE GASTRIC AND LOBULAR BREAST CANCER SYNDROME. Identifiers: Orphanet 26106, MedGen C1708349, MONDO:0007648, OMIM 137215.

Submissions (2):

Myriad Genetics, Inc.
Classification: Pathogenic for Hereditary diffuse gastric adenocarcinoma. Last evaluated: 2025-04-21. Review status: criteria provided, single submitter. Criteria: Myriad Autosomal Dominant, Autosomal Recessive and X-Linked Classification Criteria (2023). Collection method: clinical testing. Allele origin: unknown.
Comment: This variant is considered pathogenic. This variant creates a frameshift predicted to result in premature protein truncation.

Labcorp Genetics (formerly Invitae), Labcorp
Classification: Pathogenic for Hereditary diffuse gastric adenocarcinoma. Last evaluated: 2021-10-18. Review status: criteria provided, single submitter. Criteria: Invitae Variant Classification Sherloc (09022015). Collection method: clinical testing. Allele origin: germline.
Comment: For these reasons, this variant has been classified as Pathogenic. This variant has not been reported in the literature in individuals affected with CDH1-related conditions. This variant is not present in population databases (ExAC no frequency). This sequence change creates a premature translational stop signal (p.Asn405Profs*13) in the CDH1 gene. It is expected to result in an absent or disrupted protein product. Loss-of-function variants in CDH1 are known to be pathogenic (PMID: 15235021, 20373070).

Literature cited by the submitters: PubMed 15235021 (cited by Labcorp Genetics (formerly Invitae), Labcorp); PubMed 20373070 (cited by Labcorp Genetics (formerly Invitae), Labcorp).

NM_004360.5(CDH1):c.1211_1212dup (p.Asn405fs)

Gene: CDH1 (cadherin 1; plus strand). Cytogenetic location: 16q22.1.
Variant type: Duplication.
Coding change: c.1211_1212dup on transcript NM_004360.5 (MANE Select); coding-DNA positions 1211 to 1212, 2 bases duplicated (CC; older notation c.1211_1212dupCC).
Protein change: p.Asn405fs; shifts the reading frame from asparagine 405.
Molecular consequence: frameshift variant. On other transcripts: 5 prime UTR variant (2), intron variant (1).
Genome position (GRCh38, 1-based): chr16:68,813,386-68,813,387, CC duplicated; duplicating any 2 consecutive bases within chr16:68,813,383-68,813,387 gives the same sequence; the c. name uses the placement nearest the transcript's 3' end. VCF-style (leftmost placement, unchanged base first): chr16-68813382-G-GCC. GRCh37 (hg19) VCF-style: chr16-68847285-G-GCC.
Other names: c.-405_-404dup (NM_001317185.2); c.-609_-608dup (NM_001317186.2); c.1137+1123_1137+1124dup (NM_001317184.2); short protein forms N405fs.
Identifiers: ClinVar variation 1419876 (VCV001419876.7), dbSNP rs1597895871, ClinGen allele CA2573152616.